The following is an entry in ClinVar:

ClinVar aggregate classification (germline): Uncertain significance. Review status: criteria provided, multiple submitters, no conflicts (2 of 4 stars). 4 submissions from 4 submitters: Uncertain significance (4). Last evaluated 2025-10-02.

Conditions:
Inborn genetic diseases. Identifiers: MedGen C0950123, MeSH D030342.
Autosomal dominant nonsyndromic hearing loss 4A. Also called: Deafness, autosomal dominant 4A. Identifiers: Orphanet 90635, MedGen C1833503, MONDO:0010915, OMIM 600652.

Allele frequency attached by ClinVar (database versions not stated): gnomAD 0.00001; gnomAD exomes 0.00001 and 0.00002; ExAC 0.00002; TOPMed 0.00002.

Submissions (4):

Ambry Genetics
Classification: Uncertain significance for Inborn genetic diseases. Last evaluated: 2025-10-02. Review status: criteria provided, single submitter. Criteria: Ambry Variant Classification Scheme 2023. Collection method: clinical testing. Allele origin: germline.

Labcorp Genetics (formerly Invitae), Labcorp
Classification: Uncertain significance. Last evaluated: 2023-08-10. Review status: criteria provided, single submitter. Criteria: Invitae Variant Classification Sherloc (09022015). Collection method: clinical testing. Allele origin: germline.
Comment: In summary, the available evidence is currently insufficient to determine the role of this variant in disease. Therefore, it has been classified as a Variant of Uncertain Significance. Advanced modeling of protein sequence and biophysical properties (such as structural, functional, and spatial information, amino acid conservation, physicochemical variation, residue mobility, and thermodynamic stability) performed at Invitae indicates that this missense variant is expected to disrupt MYH14 protein function. ClinVar contains an entry for this variant (Variation ID: 637025). This variant has not been reported in the literature in individuals affected with MYH14-related conditions. This variant is present in population databases (rs752106950, gnomAD 0.006%). This sequence change replaces isoleucine, which is neutral and non-polar, with threonine, which is neutral and polar, at codon 276 of the MYH14 protein (p.Ile276Thr).

GeneDx
Classification: Uncertain significance. Last evaluated: 2023-07-24. Review status: criteria provided, single submitter. Criteria: GeneDx Variant Classification Process June 2021. Collection method: clinical testing. Allele origin: germline. Affected: yes.
Comment: In silico analysis supports that this missense variant has a deleterious effect on protein structure/function; Has not been previously published as pathogenic or benign to our knowledge

Laboratory of Medical Genetics, National & Kapodistrian University of Athens
Classification: Uncertain significance for Autosomal dominant nonsyndromic hearing loss 4A. Last evaluated: 2018-03-05. Review status: criteria provided, single submitter. Criteria: ACMG Guidelines, 2015. Collection method: clinical testing. Allele origin: germline. Affected: yes.
Comment: PP3

NM_001145809.2(MYH14):c.851T>C (p.Ile284Thr)

Gene: MYH14 (myosin heavy chain 14; plus strand). Cytogenetic location: 19q13.33.
Variant type: single nucleotide variant.
Coding change: c.851T>C on transcript NM_001145809.2 (MANE Select); coding-DNA position 851, T replaced by C.
Protein change: p.Ile284Thr; replaces isoleucine 284 with threonine.
Molecular consequence: missense variant.
Genome position (GRCh38, 1-based): chr19:50,226,943, T>C. VCF-style: chr19-50226943-T-C. GRCh37 (hg19) VCF-style: chr19-50730200-T-C.
Other names: c.851T>C, p.Ile284Thr (NM_001077186.2); c.827T>C, p.Ile276Thr (NM_024729.4); c.827T>C (NM_024729.3); short protein forms I284T, I276T.
Identifiers: ClinVar variation 637025 (VCV000637025.6), dbSNP rs752106950, ClinGen allele CA9592426.
Genomic context (GRCh38, chr19:50,226,943, plus strand): 5'-CCCACTTTGGTCTCTCCCAGGGCAAATTCATCCGCATCAACTTTGATGTTGCCGGGTACA[T>C]CGTGGGCGCCAACATTGAGACCTGTATCCTCTCACAGCCCATGGGGGTGGCAGCCAAGGG-3'
Protein context (NP_001139281.1, residues 274-294): IRINFDVAGY[Ile284Thr]VGANIETYLL